The following is an entry in ClinVar:

ClinVar aggregate classification (germline): Uncertain significance (1 of 4 stars; one submission).

Conditions:
Congenital neutropenia-myelofibrosis-nephromegaly syndrome. Also called: Severe congenital neutropenia 5, autosomal recessive. Identifiers: Orphanet 369852, MedGen C3809031, MONDO:0014118, OMIM 615285.

Allele frequency attached by ClinVar (database versions not stated): gnomAD exomes below 0.00001; gnomAD 0.00001.
gnomAD v4.1: 2 of 1,612,722 alleles (0.00012%); highest among the groups gnomAD compares: African/African-American, 0.0027%; no homozygotes.

Submission:

Labcorp Genetics (formerly Invitae), Labcorp
Classification: Uncertain significance for Congenital neutropenia-myelofibrosis-nephromegaly syndrome. Last evaluated: 2020-06-02. Review status: criteria provided, single submitter. Criteria: Invitae Variant Classification Sherloc (09022015). Collection method: clinical testing. Allele origin: germline.
Comment: This variant has not been reported in the literature in individuals with VPS45-related conditions. Algorithms developed to predict the effect of missense changes on protein structure and function output the following: SIFT: "Tolerated"; PolyPhen-2: "Benign"; Align-GVGD: "Class C0". The isoleucine amino acid residue is found in multiple mammalian species, suggesting that this missense change does not adversely affect protein function. These predictions have not been confirmed by published functional studies and their clinical significance is uncertain. In summary, the available evidence is currently insufficient to determine the role of this variant in disease. Therefore, it has been classified as a Variant of Uncertain Significance. This variant is not present in population databases (ExAC no frequency). This sequence change replaces valine with isoleucine at codon 506 of the VPS45 protein (p.Val506Ile). The valine residue is weakly conserved and there is a small physicochemical difference between valine and isoleucine.

NM_007259.5(VPS45):c.1516G>A (p.Val506Ile)

Gene: VPS45 (vacuolar protein sorting 45 homolog; plus strand). Cytogenetic location: 1q21.2.
Variant type: single nucleotide variant.
Coding change: c.1516G>A on transcript NM_007259.5 (MANE Select); coding-DNA position 1516, G replaced by A.
Protein change: p.Val506Ile; replaces valine 506 with isoleucine.
Molecular consequence: missense variant. On other transcripts: non-coding transcript variant (1).
Genome position (GRCh38, 1-based): chr1:150,110,518, G>A. VCF-style: chr1-150110518-G-A. GRCh37 (hg19) VCF-style: chr1-150082633-G-A.
Other names: c.1201G>A, p.Val401Ile (NM_001279353.2); c.1408G>A, p.Val470Ile (NM_001279354.2); short protein forms V401I, V470I, V506I.
Identifiers: ClinVar variation 1064193 (VCV001064193.9), dbSNP rs1323351672, ClinGen allele CA342263373.